The following is an entry in ClinVar:

NM_001303256.3(MORC2):c.1206dup (p.Gly403fs)

Gene: MORC2 (MORC family CW-type zinc finger 2; minus strand). Cytogenetic location: 22q12.2.
Variant type: Duplication.
Coding change: c.1206dup on transcript NM_001303256.3 (MANE Select); coding-DNA position 1206, one base duplicated (A; older notation c.1206dupA).
Protein change: p.Gly403fs; shifts the reading frame from glycine 403.
Molecular consequence: frameshift variant.
Genome position (GRCh38, 1-based): chr22:30,938,073, T duplicated on the plus strand (A on the coding strand, the reverse complement: MORC2 is on the minus strand); the first of 2 consecutive T bases (chr22:30,938,073-30,938,074); duplicating either gives the same sequence. VCF-style (leftmost placement, unchanged base first): chr22-30938072-C-CT. GRCh37 (hg19) VCF-style: chr22-31334059-C-CT.
Other names: c.1206dup, p.Gly403fs (NM_001303257.2); c.1020dup, p.Gly341fs (NM_014941.3); short protein forms G341fs, G403fs.
Identifiers: ClinVar variation 2123772 (VCV002123772.4), dbSNP rs2517590697, ClinGen allele CA2580099749.
Genomic context (GRCh38, chr22:30,938,072, plus strand): 5'-CGCCCTCCTGCCAACTATCCTGGGCTAGACAGCTCTCTGTGGGTAGTACTCACATGCCCC[C>CT]TTCCAGCTGTGGGCCCACTTTCTCATACATTTTGATCAGTCGGCTACAGTTGTAGATGAA-3'

ClinVar aggregate classification (germline): Uncertain significance (1 of 4 stars; one submission).

Conditions:
Charcot-Marie-Tooth disease axonal type 2Z. Also called: CHARCOT-MARIE-TOOTH DISEASE, AXONAL, AUTOSOMAL DOMINANT, TYPE 2Z; CHARCOT-MARIE-TOOTH NEUROPATHY, TYPE 2Z. Identifiers: Orphanet 466768, MedGen C5569025, MONDO:0014736, OMIM 616688.

Submission:

Labcorp Genetics (formerly Invitae), Labcorp
Classification: Uncertain significance for Charcot-Marie-Tooth disease axonal type 2Z. Last evaluated: 2022-04-09. Review status: criteria provided, single submitter. Criteria: Invitae Variant Classification Sherloc (09022015). Collection method: clinical testing. Allele origin: germline.
Comment: In summary, the available evidence is currently insufficient to determine the role of this variant in disease. Therefore, it has been classified as a Variant of Uncertain Significance. Algorithms developed to predict the effect of sequence changes on RNA splicing suggest that this variant may create or strengthen a splice site. This variant has not been reported in the literature in individuals affected with MORC2-related conditions. This variant is not present in population databases (gnomAD no frequency). This sequence change creates a premature translational stop signal (p.Gly403Argfs*13) in the MORC2 gene. It is expected to result in an absent or disrupted protein product. However, the current clinical and genetic evidence is not sufficient to establish whether loss-of-function variants in MORC2 cause disease.